The following is an entry in ClinVar:

NM_001379291.1(BRD4):c.2212-8G>C

Gene: BRD4 (bromodomain containing 4; minus strand). Cytogenetic location: 19p13.12.
Variant type: single nucleotide variant.
Coding change: c.2212-8G>C on transcript NM_001379291.1 (MANE Select); 8 bases into the intron before coding-DNA position 2212, G replaced by C.
Molecular consequence: intron variant.
Genome position (GRCh38, 1-based): chr19:15,244,608, C>G on the plus strand (G>C on the coding strand, the complement: BRD4 is on the minus strand). VCF-style: chr19-15244608-C-G. GRCh37 (hg19) VCF-style: chr19-15355419-C-G.
Other names: c.2212-8G>C (NM_058243.3).
Identifiers: ClinVar variation 2073788 (VCV002073788.29), dbSNP rs201915032, ClinGen allele CA9265010.

ClinVar aggregate classification (germline): Likely benign. Review status: criteria provided, multiple submitters, no conflicts (2 of 4 stars). 3 submissions from 3 submitters: Likely benign (3). Last evaluated 2025-08-18.

Allele frequency attached by ClinVar (database versions not stated): ESP Exome Variant Server 0.00008; gnomAD 0.00020; TOPMed 0.00025; ExAC 0.00026; gnomAD exomes 0.00040.
gnomAD v4.1: 609 of 1,612,868 alleles (0.038%); highest among the groups gnomAD compares: Non-Finnish European, 0.048%; no homozygotes.

Submissions (3):

Labcorp Genetics (formerly Invitae), Labcorp
Classification: Likely benign. Last evaluated: 2025-08-18. Review status: criteria provided, single submitter. Criteria: Invitae Variant Classification Sherloc (09022015). Collection method: clinical testing. Allele origin: germline.

Blueprint Genetics
Classification: Likely benign. Last evaluated: 2024-11-08. Review status: criteria provided, single submitter. Criteria: ACMG Guidelines, 2015. Collection method: clinical testing. Allele origin: germline.

CeGaT Center for Human Genetics Tuebingen
Classification: Likely benign. Last evaluated: 2024-10-01. Review status: criteria provided, single submitter. Criteria: CeGaT Center For Human Genetics Tuebingen Variant Classification Criteria Version 2. Collection method: clinical testing. Allele origin: germline. Affected: yes. Observed: 2 variant alleles.
Comment: BRD4: BP4